The following is an entry in ClinVar:

NM_138694.4(PKHD1):c.2593-10A>G

Gene: PKHD1 (PKHD1 ciliary IPT domain containing fibrocystin/polyductin; minus strand). Cytogenetic location: 6p12.2.
Variant type: single nucleotide variant.
Coding change: c.2593-10A>G on transcript NM_138694.4 (MANE Select); 10 bases into the intron before coding-DNA position 2593, A replaced by G.
Molecular consequence: intron variant.
Genome position (GRCh38, 1-based): chr6:52,045,098, T>C on the plus strand (A>G on the coding strand, the complement: PKHD1 is on the minus strand). VCF-style: chr6-52045098-T-C. GRCh37 (hg19) VCF-style: chr6-51909896-T-C.
Other names: c.2593-10A>G (NM_170724.3).
Identifiers: ClinVar variation 596714 (VCV000596714.8), dbSNP rs1050450962, ClinGen allele CA138963617.

ClinVar aggregate classification (germline): Uncertain significance. Review status: criteria provided, multiple submitters, no conflicts (2 of 4 stars). 3 submissions from 3 submitters: Uncertain significance (3). Last evaluated 2022-05-23.

Conditions:
Autosomal recessive polycystic kidney disease (ARPKD). Also called: AR polycystic kidney disease. Identifiers: Orphanet 731, Orphanet 8378, MedGen C0085548, MeSH D017044, MONDO:0009889.
Polycystic kidney disease 4 (PKD4). Also called: POLYCYSTIC KIDNEY DISEASE 4 WITH OR WITHOUT POLYCYSTIC LIVER DISEASE; PKD3; POLYCYSTIC KIDNEY AND HEPATIC DISEASE 1; POLYCYSTIC KIDNEY DISEASE, INFANTILE, TYPE I; Autosomal Recessive Polycystic Kidney Disease – PKHD1. Identifiers: MedGen C4540575, MONDO:0033004, OMIM 263200.

Allele frequency attached by ClinVar (database versions not stated): gnomAD exomes below 0.00001; gnomAD 0.00001 and 0.00002; TOPMed 0.00003.
gnomAD v4.1: 4 of 1,612,454 alleles (0.00025%); highest among the groups gnomAD compares: Admixed American, 0.0067%; no homozygotes.

Submissions (3):

Fulgent Genetics
Classification: Uncertain significance for Polycystic kidney disease 4. Last evaluated: 2022-05-23. Review status: criteria provided, single submitter. Criteria: ACMG Guidelines, 2015. Collection method: clinical testing. Allele origin: unknown.

Labcorp Genetics (formerly Invitae), Labcorp
Classification: Uncertain significance for Autosomal recessive polycystic kidney disease. Last evaluated: 2021-10-27. Review status: criteria provided, single submitter. Criteria: Invitae Variant Classification Sherloc (09022015). Collection method: clinical testing. Allele origin: germline.
Comment: This sequence change falls in intron 24 of the PKHD1 gene. It does not directly change the encoded amino acid sequence of the PKHD1 protein. This variant is not present in population databases (gnomAD no frequency). This variant has not been reported in the literature in individuals affected with PKHD1-related conditions. ClinVar contains an entry for this variant (Variation ID: 596714). Algorithms developed to predict the effect of sequence changes on RNA splicing suggest that this variant may disrupt the consensus splice site. In summary, the available evidence is currently insufficient to determine the role of this variant in disease. Therefore, it has been classified as a Variant of Uncertain Significance.

Eurofins Ntd Llc (ga)
Classification: Uncertain significance. Last evaluated: 2018-03-27. Review status: criteria provided, single submitter. Criteria: EGL ClinVar v180209 classification definitions. Collection method: clinical testing. Allele origin: germline. Observed: 1 variant allele, 1 heterozygote.